The following is an entry in ClinVar:

NM_006509.4(RELB):c.873C>T (p.Pro291=)

Gene: RELB (RELB proto-oncogene, NF-kB subunit; plus strand). Cytogenetic location: 19q13.32.
Variant type: single nucleotide variant.
Coding change: c.873C>T on transcript NM_006509.4 (MANE Select); coding-DNA position 873, C replaced by T.
Protein change: p.Pro291=; no amino-acid change (proline 291 retained).
Molecular consequence: synonymous variant.
Genome position (GRCh38, 1-based): chr19:45,025,724, C>T. VCF-style: chr19-45025724-C-T. GRCh37 (hg19) VCF-style: chr19-45528982-C-T.
Identifiers: ClinVar variation 1615758 (VCV001615758.10), dbSNP rs543922698, ClinGen allele CA9507673.

ClinVar aggregate classification (germline): Likely benign. Review status: criteria provided, multiple submitters, no conflicts (2 of 4 stars). 2 submissions from 2 submitters: Likely benign (2). Last evaluated 2026-04-01.

Allele frequency attached by ClinVar (database versions not stated): gnomAD 0.00001 and 0.00002; ExAC 0.00002; gnomAD exomes 0.00002; TOPMed 0.00003; 1000 Genomes Project 30x 0.00016; 1000 Genomes Project 0.00020.
gnomAD v4.1: 21 of 1,613,926 alleles (0.0013%); highest among the groups gnomAD compares: East Asian, 0.016%; 1 homozygote.

Submissions (2):

CeGaT Center for Human Genetics Tuebingen
Classification: Likely benign. Last evaluated: 2026-04-01. Review status: criteria provided, single submitter. Criteria: CeGaT Center For Human Genetics Tuebingen Variant Classification Criteria Version 2. Collection method: clinical testing. Allele origin: germline. Affected: yes. Observed: 1 variant allele.
Comment: RELB: BP4, BP7

Labcorp Genetics (formerly Invitae), Labcorp
Classification: Likely benign. Last evaluated: 2025-12-14. Review status: criteria provided, single submitter. Criteria: Invitae Variant Classification Sherloc (09022015). Collection method: clinical testing. Allele origin: germline.